The following is an entry in ClinVar:

ClinVar aggregate classification (germline): Uncertain significance. Review status: criteria provided, multiple submitters, no conflicts (2 of 4 stars). 2 submissions from 2 submitters: Uncertain significance (2). Last evaluated 2025-11-11.

Allele frequency attached by ClinVar (database versions not stated): gnomAD 0.00001; gnomAD exomes 0.00002; TOPMed 0.00006; ESP Exome Variant Server 0.00009.
gnomAD v4.1: 33 of 1,569,092 alleles (0.0021%); highest among the groups gnomAD compares: Middle Eastern, 0.037%; no homozygotes.

Submissions (2):

Ambry Genetics
Classification: Uncertain significance. Last evaluated: 2025-11-11. Review status: criteria provided, single submitter. Criteria: Ambry Variant Classification Scheme 2023. Collection method: clinical testing. Allele origin: germline.

Labcorp Genetics (formerly Invitae), Labcorp
Classification: Uncertain significance. Last evaluated: 2025-10-24. Review status: criteria provided, single submitter. Criteria: Invitae Variant Classification Sherloc (09022015). Collection method: clinical testing. Allele origin: germline.
Comment: This sequence change replaces arginine, which is basic and polar, with glutamine, which is neutral and polar, at codon 1738 of the MYH7B protein (p.Arg1738Gln). This variant is present in population databases (rs377202057, gnomAD 0.02%). This variant has not been reported in the literature in individuals affected with MYH7B-related conditions. ClinVar contains an entry for this variant (Variation ID: 2601438). Invitae Evidence Modeling of protein sequence and biophysical properties (such as structural, functional, and spatial information, amino acid conservation, physicochemical variation, residue mobility, and thermodynamic stability) indicates that this missense variant is expected to disrupt MYH7B protein function with a positive predictive value of 80%. In summary, the available evidence is currently insufficient to determine the role of this variant in disease. Therefore, it has been classified as a Variant of Uncertain Significance.

NM_020884.7(MYH7B):c.5087G>A (p.Arg1696Gln)

Gene: MYH7B (myosin heavy chain 7B; plus strand). Cytogenetic location: 20q11.22.
Variant type: single nucleotide variant.
Coding change: c.5087G>A on transcript NM_020884.7 (MANE Select); coding-DNA position 5087, G replaced by A.
Protein change: p.Arg1696Gln; replaces arginine 1696 with glutamine.
Molecular consequence: missense variant.
Genome position (GRCh38, 1-based): chr20:35,000,598, G>A. VCF-style: chr20-35000598-G-A. GRCh37 (hg19) VCF-style: chr20-33588401-G-A.
Other names: short protein forms R1696Q.
Identifiers: ClinVar variation 2601438 (VCV002601438.4), dbSNP rs377202057, ClinGen allele CA9828417.